The following is an entry in ClinVar:

ClinVar aggregate classification (germline): Likely pathogenic (1 of 4 stars; one submission).

Conditions:
Microcephaly 1, primary, autosomal recessive (MCPH1). Also called: PREMATURE CHROMOSOME CONDENSATION SYNDROME; PCC SYNDROME; PREMATURE CHROMOSOME CONDENSATION WITH MICROCEPHALY AND MENTAL RETARDATION. Identifiers: Orphanet 2512, MedGen C1855081, MONDO:0009617, OMIM 251200.

Submission:

Juno Genomics, Hangzhou Juno Genomics, Inc
Classification: Likely pathogenic for Microcephaly 1, primary, autosomal recessive. Review status: criteria provided, single submitter. Criteria: ACMG Guidelines, 2015. Collection method: clinical testing. Allele origin: germline.
Comment: Null variant in a gene where loss of function (LOF) is a known mechanism of disease.;Absent from controls (or at extremely low frequency if recessive) in Genome Aggregation Database.

NM_024596.5(MCPH1):c.334C>T (p.Gln112Ter)

Gene: MCPH1 (microcephalin 1; plus strand). Cytogenetic location: 8p23.1.
Variant type: single nucleotide variant.
Coding change: c.334C>T on transcript NM_024596.5 (MANE Select); coding-DNA position 334, C replaced by T.
Protein change: p.Gln112Ter; replaces glutamine 112 with a stop codon.
Molecular consequence: nonsense.
Genome position (GRCh38, 1-based): chr8:6,436,060, C>T. VCF-style: chr8-6436060-C-T. GRCh37 (hg19) VCF-style: chr8-6293581-C-T.
Other names: c.334C>T, p.Gln112Ter (NM_001172574.2, NM_001172575.2, NM_001322042.2 and 4 more transcripts); c.328C>T, p.Gln110Ter (NM_001322043.2); c.232C>T, p.Gln78Ter (NM_001322045.2); short protein forms Q78*, Q112*, Q110*.
Identifiers: ClinVar variation 5007325 (VCV005007325.2).
Genomic context (GRCh38, chr8:6,436,060, plus strand): 5'-CTTAAGCAGTTGCAGTACAGCATTAATTTTTGTGTTCTTTTTGCACAGCGTAAATGTATG[C>T]AGCCCAAAGATTTTAATTTTAAAACACCAGAAAATGATAAGAGATTTCAGAAGAAATTTG-3'